The following is an entry in ClinVar:

ClinVar aggregate classification (germline): Uncertain significance. Review status: criteria provided, multiple submitters, no conflicts (2 of 4 stars). 4 submissions from 4 submitters: Uncertain significance (4). Last evaluated 2026-06-26.

Conditions:
PLS3-related disorder. Also called: PLS3-related condition.

Allele frequency attached by ClinVar (database versions not stated): gnomAD exomes 0.00003; TOPMed 0.00003; gnomAD 0.00004.
gnomAD v4.1: 41 of 1,169,910 alleles (0.0035%); highest among the groups gnomAD compares: Non-Finnish European, 0.0041%; no homozygotes.

Submissions (4):

PreventionGenetics, part of Exact Sciences
Classification: Uncertain significance for PLS3-related condition. Last evaluated: 2026-06-26. Review status: criteria provided, single submitter. Criteria: ACMG Guidelines, 2015. Collection method: clinical testing. Allele origin: germline.
Comment: The PLS3 c.478G>A variant is predicted to result in the amino acid substitution p.Val160Ile. To our knowledge, this variant has not been reported in the literature. This variant is reported in 0.0027% of alleles in individuals of European (Non-Finnish) descent in gnomAD. However, in gnomAD v4 (available only on GRCh38), this variant is reported in 41 alleles globally, including 14 hemizygotes, which is likely too common for a highly penetrant pathogenic variant. Although we suspect that this variant may be benign, at this time, the clinical significance of this variant is uncertain due to the absence of conclusive functional and genetic evidence.

Labcorp Genetics (formerly Invitae), Labcorp
Classification: Uncertain significance. Last evaluated: 2024-08-23. Review status: criteria provided, single submitter. Criteria: Invitae Variant Classification Sherloc (09022015). Collection method: clinical testing. Allele origin: germline.
Comment: This sequence change replaces valine, which is neutral and non-polar, with isoleucine, which is neutral and non-polar, at codon 160 of the PLS3 protein (p.Val160Ile). The frequency data for this variant in the population databases is considered unreliable, as metrics indicate poor data quality at this position in the gnomAD database. This variant has not been reported in the literature in individuals affected with PLS3-related conditions. Invitae Evidence Modeling of protein sequence and biophysical properties (such as structural, functional, and spatial information, amino acid conservation, physicochemical variation, residue mobility, and thermodynamic stability) indicates that this missense variant is not expected to disrupt PLS3 protein function with a negative predictive value of 80%. In summary, the available evidence is currently insufficient to determine the role of this variant in disease. Therefore, it has been classified as a Variant of Uncertain Significance.

Mayo Clinic Laboratories, Mayo Clinic
Classification: Uncertain significance. Last evaluated: 2024-04-24. Review status: criteria provided, single submitter. Criteria: ACMG Guidelines, 2015. Collection method: clinical testing. Allele origin: germline. Observed: 1 variant allele.

Blueprint Genetics
Classification: Uncertain significance. Last evaluated: 2023-11-21. Review status: criteria provided, single submitter. Criteria: ACMG Guidelines, 2015. Collection method: clinical testing. Allele origin: germline.

NM_005032.7(PLS3):c.478G>A (p.Val160Ile)

Gene: PLS3 (plastin 3; plus strand). Cytogenetic location: Xq23.
Variant type: single nucleotide variant.
Coding change: c.478G>A on transcript NM_005032.7 (MANE Select); coding-DNA position 478, G replaced by A.
Protein change: p.Val160Ile; replaces valine 160 with isoleucine.
Molecular consequence: missense variant.
Genome position (GRCh38, 1-based): chrX:115,629,945, G>A. VCF-style: chrX-115629945-G-A. GRCh37 (hg19) VCF-style: chrX-114864257-G-A.
Other names: p.Val160Ile; c.478G>A, p.Val160Ile (NM_001136025.5); c.397G>A, p.Val133Ile (NM_001172335.3); c.412G>A, p.Val138Ile (NM_001282337.2); c.343G>A, p.Val115Ile (NM_001282338.2); c.478G>A (NM_005032.6); short protein forms V115I, V133I, V138I, V160I.
Identifiers: ClinVar variation 2889184 (VCV002889184.6), dbSNP rs1457798192, ClinGen allele CA414333596.